The following is an entry in ClinVar:

NM_000548.5(TSC2):c.2558T>C (p.Leu853Pro)

Gene: TSC2 (TSC complex subunit 2; plus strand). Cytogenetic location: 16p13.3.
Variant type: single nucleotide variant.
Coding change: c.2558T>C on transcript NM_000548.5 (MANE Select); coding-DNA position 2558, T replaced by C.
Protein change: p.Leu853Pro; replaces leucine 853 with proline.
Molecular consequence: missense variant. On other transcripts: non-coding transcript variant (5).
Genome position (GRCh38, 1-based): chr16:2,075,811, T>C. VCF-style: chr16-2075811-T-C. GRCh37 (hg19) VCF-style: chr16-2125812-T-C.
Other names: c.2558T>C, p.Leu853Pro (NM_001077183.3, NM_001114382.3, NM_001363528.2 and 6 more transcripts); c.2447T>C, p.Leu816Pro (NM_001318827.2, NM_001406670.1, NM_001406678.1); c.2411T>C, p.Leu804Pro (NM_001318829.2, NM_001406675.1, NM_001406676.1 and 1 more transcripts); c.1958T>C, p.Leu653Pro (NM_001318831.2, NM_001406680.1, NM_001406682.1 and 6 more transcripts); c.2591T>C, p.Leu864Pro (NM_001318832.2); c.2648T>C, p.Leu883Pro (NM_001406667.1, NM_001406668.1); c.2546T>C, p.Leu849Pro (NM_001406671.1, NM_001406673.1); c.2501T>C, p.Leu834Pro (NM_001406677.1); and 3 more; short protein forms L816P, L653P, L834P, L849P, L883P, L804P, L864P, L319P.
Identifiers: ClinVar variation 2920866 (VCV002920866.1), dbSNP rs2151379959, ClinGen allele CA394278301.

ClinVar aggregate classification (germline): Uncertain significance (1 of 4 stars; one submission).

Submission:

ARUP Laboratories, Molecular Genetics and Genomics, ARUP Laboratories
Classification: Uncertain significance. Last evaluated: 2023-01-04. Review status: criteria provided, single submitter. Criteria: ARUP Molecular Germline Variant Investigation Process 2024. Collection method: clinical testing. Allele origin: germline.
Comment: The TSC2 c.2558T>C; p.Leu853Pro variant, to our knowledge, is not reported in the medical literature or gene specific databases. This variant is also absent from the Genome Aggregation Database, indicating it is not a common polymorphism. Computational analyses predict that this variant is deleterious (REVEL: 0.981). Due to limited information, the clinical significance of this variant is uncertain at this time.